The following is an entry in ClinVar:

ClinVar aggregate classification (germline): Likely pathogenic (1 of 4 stars; one submission).

Conditions:
Methylmalonic aciduria, cblB type (MACB). Also called: METHYLMALONIC ACIDURIA, VITAMIN B12-RESPONSIVE, DUE TO DEFECT IN SYNTHESIS OF ADENOSYLCOBALAMIN, cblB TYPE; Methylmalonic acidemia cblB type; Vitamin B12-responsive methylmalonic acidemia type cblB. Identifiers: Orphanet 28, Orphanet 79311, MedGen C1855102, MONDO:0009614, OMIM 251110.

Submission:

Labcorp Genetics (formerly Invitae), Labcorp
Classification: Likely pathogenic for Methylmalonic aciduria, cblB type. Last evaluated: 2024-01-11. Review status: criteria provided, single submitter. Criteria: Invitae Variant Classification Sherloc (09022015). Collection method: clinical testing. Allele origin: unknown.
Comment: This variant results in a copy number gain of the genomic region encompassing exon(s) 2 of the MMAB gene. While the exact position of this variant cannot be determined from the data, sub-genic copy number gains are generally in tandem (PMID: 25640679). This variant is predicted to be out-of-frame, and may result in an absent or disrupted protein product. Loss-of-function variants in MMAB are known to be pathogenic (PMID: 15781192, 16410054). This variant has not been reported in the literature in individuals affected with MMAB-related conditions. In summary, the currently available evidence indicates that the variant is pathogenic, but additional data are needed to prove that conclusively. Therefore, this variant has been classified as Likely Pathogenic.

Literature cited by the submitters: PubMed 25640679; PubMed 15781192; PubMed 16410054.

NC_000012.11:g.(?_110009434)_(110009535_?)dup

Gene: MMAB (metabolism of cobalamin associated B; minus strand). Cytogenetic location: 12q24.11.
Variant type: Duplication.
Identifiers: ClinVar variation 3244317 (VCV003244317.1).